The following is an entry in ClinVar:

NM_002890.3(RASA1):c.112A>G (p.Ile38Val)

Gene: RASA1 (RAS p21 protein activator 1; plus strand). Cytogenetic location: 5q14.3.
Variant type: single nucleotide variant.
Coding change: c.112A>G on transcript NM_002890.3 (MANE Select); coding-DNA position 112, A replaced by G.
Protein change: p.Ile38Val; replaces isoleucine 38 with valine.
Molecular consequence: missense variant.
Genome position (GRCh38, 1-based): chr5:87,268,563, A>G. VCF-style: chr5-87268563-A-G. GRCh37 (hg19) VCF-style: chr5-86564380-A-G.
Other names: short protein forms I38V.
Identifiers: ClinVar variation 5027874 (VCV005027874.1).

ClinVar aggregate classification (germline): Uncertain significance (1 of 4 stars; one submission).

Conditions:
Cardiovascular phenotype. Identifiers: MedGen CN230736.

gnomAD v4.1: 1 of 1,606,096 alleles (0.000062%); highest among the groups gnomAD compares: Non-Finnish European, 0.000085%; no homozygotes.

Submission:

Ambry Genetics
Classification: Uncertain significance for Cardiovascular phenotype. Last evaluated: 2026-08-16. Review status: criteria provided, single submitter. Criteria: Ambry Variant Classification Scheme 2023. Collection method: clinical testing. Allele origin: germline.
Comment: The p.I38V variant (also known as c.112A>G), located in coding exon 1 of the RASA1 gene, results from an A to G substitution at nucleotide position 112. The isoleucine at codon 38 is replaced by valine, an amino acid with highly similar properties. This amino acid position is conserved. In addition, this alteration is predicted to be tolerated by in silico analysis. Based on the available evidence, the clinical significance of this variant remains unclear.